The following is an entry in ClinVar:

NM_000186.4(CFH):c.380G>T (p.Arg127Leu)

Gene: CFH (complement factor H; plus strand). Cytogenetic location: 1q31.3.
Variant type: single nucleotide variant.
Coding change: c.380G>T on transcript NM_000186.4 (MANE Select); coding-DNA position 380, G replaced by T.
Protein change: p.Arg127Leu; replaces arginine 127 with leucine.
Molecular consequence: missense variant.
Genome position (GRCh38, 1-based): chr1:196,676,018, G>T. VCF-style: chr1-196676018-G-T. GRCh37 (hg19) VCF-style: chr1-196645148-G-T.
Other names: c.380G>T, p.Arg127Leu (NM_001014975.3); short protein forms R127L.
Identifiers: ClinVar variation 16554 (VCV000016554.6), dbSNP rs121913058, ClinGen allele CA257513.

ClinVar aggregate classification (germline): Likely pathogenic. Review status: criteria provided, single submitter (1 of 4 stars). 2 submissions from 2 submitters: Likely pathogenic (1). 1 of the submissions does not count toward it. Last evaluated 2026-09-17.

Conditions:
Factor H deficiency (CFHD). Also called: COMPLEMENT FACTOR H DEFICIENCY; CFH DEFICIENCY. Identifiers: Orphanet 200421, MedGen C0398777, MONDO:0012350, OMIM 609814.

Submissions (2):

Genomenon, Inc
Classification: Likely pathogenic for Factor H deficiency. Last evaluated: 2026-09-17. Review status: criteria provided, single submitter. Criteria: Genomenon Sequence Variant Interpretation Standards - Updated. Collection method: curation. Allele origin: germline. Affected: yes.
Comment: CFH p.Arg127Leu (c.380G>T) is a missense variant that changes the amino acid at codon 127 from arginine to leucine. This variant has been observed in at least one proband affected with complement factor H deficiency (PMID: 38041748; 14978182). The variant was found to segregate with disease in at least one affected family (PMID: 14978182). It is absent or not present at a significant frequency in gnomAD. In conclusion, we classify CFH p.Arg127Leu (c.380G>T) as a likely pathogenic variant.

OMIM
Classification: Pathogenic for COMPLEMENT FACTOR H DEFICIENCY. Last evaluated: 2004-03-01. Review status: no assertion criteria provided. Collection method: literature only. Allele origin: germline. Not counted in ClinVar's aggregate classification.

Literature cited by the submitters: PubMed 38041748 (cited by Genomenon, Inc); PubMed 14978182 (cited by Genomenon, Inc and OMIM).